The following is an entry in ClinVar:

ClinVar aggregate classification (germline): Uncertain significance (1 of 4 stars; one submission).

Submission:

Labcorp Genetics (formerly Invitae), Labcorp
Classification: Uncertain significance. Last evaluated: 2023-03-18. Review status: criteria provided, single submitter. Criteria: Invitae Variant Classification Sherloc (09022015). Collection method: clinical testing. Allele origin: germline.
Comment: An algorithm developed to predict the effect of missense changes on protein structure and function (PolyPhen-2) suggests that this variant is likely to be tolerated. In summary, the available evidence is currently insufficient to determine the role of this variant in disease. Therefore, it has been classified as a Variant of Uncertain Significance. This variant has not been reported in the literature in individuals affected with OPN1SW-related conditions. This variant is not present in population databases (gnomAD no frequency). This sequence change replaces valine, which is neutral and non-polar, with aspartic acid, which is acidic and polar, at codon 31 of the OPN1SW protein (p.Val31Asp).

NM_001385125.1(OPN1SW):c.83T>A (p.Val28Asp)

Gene: OPN1SW (opsin 1, short wave sensitive; minus strand). Cytogenetic location: 7q32.1.
Variant type: single nucleotide variant.
Coding change: c.83T>A on transcript NM_001385125.1 (MANE Select); coding-DNA position 83, T replaced by A.
Protein change: p.Val28Asp; replaces valine 28 with aspartic acid.
Molecular consequence: missense variant.
Genome position (GRCh38, 1-based): chr7:128,775,699, A>T on the plus strand (T>A on the coding strand, the complement: OPN1SW is on the minus strand). VCF-style: chr7-128775699-A-T. GRCh37 (hg19) VCF-style: chr7-128415753-A-T.
Other names: short protein forms V28D.
Identifiers: ClinVar variation 2847188 (VCV002847188.3), dbSNP rs1187587087, ClinGen allele CA369222821.